The following is an entry in ClinVar:

ClinVar aggregate classification (germline): Uncertain significance (1 of 4 stars; one submission).

Conditions:
Dilated cardiomyopathy 1G (CMD1G). Identifiers: Orphanet 154, MedGen C1858763, MONDO:0011400, OMIM 604145.
Autosomal recessive limb-girdle muscular dystrophy type 2J (LGMDR10). Also called: Limb-girdle muscular dystrophy, type 2J; MUSCULAR DYSTROPHY, LIMB-GIRDLE, AUTOSOMAL RECESSIVE 10. Identifiers: Orphanet 140922, MedGen C1837342, MONDO:0012127, OMIM 608807.

Submission:

Labcorp Genetics (formerly Invitae), Labcorp
Classification: Uncertain significance for Dilated cardiomyopathy 1G; Autosomal recessive limb-girdle muscular dystrophy type 2J. Last evaluated: 2023-02-26. Review status: criteria provided, single submitter. Criteria: Invitae Variant Classification Sherloc (09022015). Collection method: clinical testing. Allele origin: germline.
Comment: This variant has not been reported in the literature in individuals affected with TTN-related conditions. This variant is located in the M band of TTN (PMID: 25589632). Variants in this region may be relevant for neuromuscular disorders, but have not been definitively shown to cause cardiomyopathy (PMID: 23975875). In summary, the available evidence is currently insufficient to determine the role of this variant in disease. Therefore, it has been classified as a Variant of Uncertain Significance. Experimental studies and prediction algorithms are not available or were not evaluated, and the functional significance of this variant is currently unknown. This variant is not present in population databases (gnomAD no frequency). This sequence change replaces asparagine, which is neutral and polar, with threonine, which is neutral and polar, at codon 35647 of the TTN protein (p.Asn35647Thr).

Literature cited by the submitters: PubMed 25589632; PubMed 23975875.

NM_001267550.2(TTN):c.106940A>C (p.Asn35647Thr)

Genes: TTN (titin; minus strand), TTN-AS1 (TTN antisense RNA 1; plus strand). Cytogenetic location: 2q31.2.
Variant type: single nucleotide variant.
Coding change: c.106940A>C on transcript NM_001267550.2 (MANE Select); coding-DNA position 106940, A replaced by C.
Protein change: p.Asn35647Thr; replaces asparagine 35647 with threonine.
Molecular consequence: missense variant.
Genome position (GRCh38, 1-based): chr2:178,528,811, T>G on the plus strand (A>C on the coding strand, the complement: TTN is on the minus strand). VCF-style: chr2-178528811-T-G. GRCh37 (hg19) VCF-style: chr2-179393538-T-G.
Other names: c.102017A>C, p.Asn34006Thr (NM_001256850.1); c.79745A>C, p.Asn26582Thr (NM_003319.4); c.99236A>C, p.Asn33079Thr (NM_133378.4); c.80120A>C, p.Asn26707Thr (NM_133432.3); c.80321A>C, p.Asn26774Thr (NM_133437.4); short protein forms N26582T, N26707T, N33079T, N35647T, N26774T, N34006T.
Identifiers: ClinVar variation 2936676 (VCV002936676.3), dbSNP rs2468301321, ClinGen allele CA349402534.